The following is an entry in ClinVar:

ClinVar aggregate classification (germline): Conflicting classifications of pathogenicity. Review status: criteria provided, conflicting classifications (1 of 4 stars). 7 submissions from 7 submitters: Uncertain significance (5); Likely benign (2). Last evaluated 2026-09-10.

Conditions:
Birt-Hogg-Dube syndrome 1 (BHD1). Also called: FIBROFOLLICULOMAS WITH TRICHODISCOMAS AND ACROCHORDONS. Identifiers: Orphanet 122, MedGen CN375946, MONDO:0800445, OMIM 135150.
FLCN-related disorder. Also called: FLCN-related condition.
Nonpapillary renal cell carcinoma. Identifiers: Orphanet 422526, MedGen CN074294, MONDO:0007763, OMIM 144700.
Colorectal cancer. Also called: Colorectal cancer, somatic; Malignant Colorectal Neoplasm. Identifiers: MedGen C0346629, MONDO:0005575, OMIM 114500.
Familial spontaneous pneumothorax (PSP). Identifiers: Orphanet 2903, MedGen C1868193, MONDO:0008259, OMIM 173600.
Hereditary cancer-predisposing syndrome. Also called: Neoplastic Syndromes, Hereditary; Hereditary neoplastic syndrome; Hereditary Cancer Syndrome; Tumor predisposition. Identifiers: Orphanet 140162, MedGen C0027672, MeSH D009386, MONDO:0015356.
Birt-Hogg-Dube syndrome. Also called: Birt Hogg Dubé syndrome. Identifiers: Orphanet 122, MedGen C0346010, MONDO:0800444.

Allele frequency attached by ClinVar (database versions not stated): ExAC 0.00002; TOPMed 0.00002; gnomAD exomes 0.00003 and 0.00018; gnomAD 0.00004.
gnomAD v4.1: 261 of 1,614,116 alleles (0.016%); highest among the groups gnomAD compares: Non-Finnish European, 0.022%; 1 homozygote.

Submissions (7):

PreventionGenetics, part of Exact Sciences
Classification: Uncertain significance for FLCN-related condition. Last evaluated: 2026-09-10. Review status: criteria provided, single submitter. Criteria: ACMG Guidelines, 2015. Collection method: clinical testing. Allele origin: germline.
Comment: The FLCN c.716G>A variant is predicted to result in the amino acid substitution p.Arg239His. This variant has been reported in an individual with Ehler-Danlos syndrome (Supplementary Table 7, Vandersteen et al. 2024. PubMed ID: 37813462). This variant is reported in 0.0062% of alleles in individuals of European (Non-Finnish) descent in gnomAD. At this time, the clinical significance of this variant is uncertain due to the absence of conclusive functional and genetic evidence.

Labcorp Genetics (formerly Invitae), Labcorp
Classification: Uncertain significance for Birt-Hogg-Dube syndrome. Last evaluated: 2026-01-11. Review status: criteria provided, single submitter. Criteria: Invitae Variant Classification Sherloc (09022015). Collection method: clinical testing. Allele origin: germline.
Comment: This sequence change replaces arginine, which is basic and polar, with histidine, which is basic and polar, at codon 239 of the FLCN protein (p.Arg239His). This variant is present in population databases (rs753948488, gnomAD 0.006%). This variant has not been reported in the literature in individuals affected with FLCN-related conditions. ClinVar contains an entry for this variant (Variation ID: 253233). Invitae Evidence Modeling of protein sequence and biophysical properties (such as structural, functional, and spatial information, amino acid conservation, physicochemical variation, residue mobility, and thermodynamic stability) indicates that this missense variant is expected to disrupt FLCN protein function with a positive predictive value of 80%. In summary, the available evidence is currently insufficient to determine the role of this variant in disease. Therefore, it has been classified as a Variant of Uncertain Significance.

Myriad Genetics, Inc.
Classification: Likely benign for Birt-Hogg-Dube syndrome 1. Last evaluated: 2024-10-23. Review status: criteria provided, single submitter. Criteria: Myriad Autosomal Dominant, Autosomal Recessive and X-Linked Classification Criteria (2023). Collection method: clinical testing. Allele origin: unknown.
Comment: This variant is considered likely benign. This variant has been observed at a population frequency that is significantly greater than expected given the associated disease prevalence and penetrance.

Fulgent Genetics
Classification: Uncertain significance for Colorectal cancer; Birt-Hogg-Dube syndrome 1; Nonpapillary renal cell carcinoma; Familial spontaneous pneumothorax. Last evaluated: 2024-01-22. Review status: criteria provided, single submitter. Criteria: ACMG Guidelines, 2015. Collection method: clinical testing. Allele origin: germline.

GeneDx
Classification: Uncertain significance. Last evaluated: 2023-10-10. Review status: criteria provided, single submitter. Criteria: GeneDx Variant Classification Process June 2021. Collection method: clinical testing. Allele origin: germline. Affected: yes.
Comment: In silico analysis supports that this missense variant has a deleterious effect on protein structure/function; Does not segregate with the disorder in affected individuals from a family with Birt-Hogg-Dube disease in published literature (PMID: 37331486); This variant is associated with the following publications: (PMID: 26489445, 19562744, 18794106, 30083234, 37331486)

Ambry Genetics
Classification: Likely benign for Hereditary cancer-predisposing syndrome. Last evaluated: 2023-03-27. Review status: criteria provided, single submitter. Criteria: Ambry Variant Classification Scheme 2023. Collection method: clinical testing. Allele origin: germline.

Genomic Diagnostic Laboratory, Division of Genomic Diagnostics, Children's Hospital of Philadelphia
Classification: Uncertain significance for Birt-Hogg-Dube Syndrome. Last evaluated: 2016-07-18. Review status: criteria provided, single submitter. Criteria: DGD Variant Analysis Guidelines. Collection method: clinical testing. Allele origin: germline. Affected: yes. Observed: 2 variant alleles.
Comment: Clinical Testing

NM_144997.7(FLCN):c.716G>A (p.Arg239His)

Gene: FLCN (folliculin; minus strand). Cytogenetic location: 17p11.2.
Variant type: single nucleotide variant.
Coding change: c.716G>A on transcript NM_144997.7 (MANE Select); coding-DNA position 716, G replaced by A.
Protein change: p.Arg239His; replaces arginine 239 with histidine.
Molecular consequence: missense variant.
Genome position (GRCh38, 1-based): chr17:17,222,564, C>T on the plus strand (G>A on the coding strand, the complement: FLCN is on the minus strand). VCF-style: chr17-17222564-C-T. GRCh37 (hg19) VCF-style: chr17-17125878-C-T.
Other names: c.770G>A, p.Arg257His (NM_001353229.2); c.716G>A, p.Arg239His (NM_001353230.2, NM_001353231.2, NM_144606.7); c.716G>A (LRG_325t1); short protein forms R239H, R257H.
Identifiers: ClinVar variation 253233 (VCV000253233.24), dbSNP rs753948488, ClinGen allele CA8416333.